The following is an entry in ClinVar:

NM_025136.4(OPA3):c.*6101A>G

Genes: OPA3 (outer mitochondrial membrane lipid metabolism regulator OPA3; minus strand), OPA3-RTN2 (OPA3-RTN2 readthrough; minus strand). Cytogenetic location: 19q13.32.
Variant type: single nucleotide variant.
Coding change: c.*6101A>G on transcript NM_025136.4 (MANE Select); 6101 bases downstream of the stop codon, A replaced by G.
Molecular consequence: 3 prime UTR variant. On other transcripts: intron variant (1).
Genome position (GRCh38, 1-based): chr19:45,547,413, T>C on the plus strand (A>G on the coding strand, the complement: OPA3 is on the minus strand). VCF-style: chr19-45547413-T-C. GRCh37 (hg19) VCF-style: chr19-46050671-T-C.
Other names: c.143-17957A>G (NM_001017989.3).
Identifiers: ClinVar variation 893885 (VCV000893885.5), dbSNP rs187296782, ClinGen allele CA308953783.

ClinVar aggregate classification (germline): Conflicting classifications of pathogenicity. Review status: criteria provided, conflicting classifications (1 of 4 stars). 3 submissions from 2 submitters: Uncertain significance (1); Benign (1); Likely benign (1). Last evaluated 2021-05-22.

Conditions:
3-Methylglutaconic aciduria type 3 (MGCA3). Also called: OPA3, AUTOSOMAL RECESSIVE; OPA3-Related 3-Methylglutaconic Aciduria; Costeff Syndrome; OPTIC ATROPHY 3, AUTOSOMAL RECESSIVE. Identifiers: Orphanet 67047, MedGen C0574084, MONDO:0009787, OMIM 258501.
Optic atrophy 3 (OPA3). Also called: OPTIC ATROPHY 3, AUTOSOMAL DOMINANT; Optic atrophy, cataract, and neurologic disorder; Optic atrophy 3 with cataract. Identifiers: Orphanet 67036, MedGen C1833809, MONDO:0008133, OMIM 165300.

Allele frequency attached by ClinVar (database versions not stated): gnomAD 0.00343 and 0.00363; TOPMed 0.00406; 1000 Genomes Project 0.00479; 1000 Genomes Project 30x 0.00484.

Submissions (3):

GeneDx
Classification: Likely benign. Last evaluated: 2021-05-22. Review status: criteria provided, single submitter. Criteria: GeneDx Variant Classification Process June 2021. Collection method: clinical testing. Allele origin: germline. Affected: yes.

Illumina Laboratory Services, Illumina
Classification: Uncertain significance for 3-Methylglutaconic aciduria type 3. Last evaluated: 2018-01-12. Review status: criteria provided, single submitter. Criteria: ICSL Variant Classification Criteria 13 December 2019. Collection method: clinical testing. Allele origin: germline.

Illumina Laboratory Services, Illumina
Classification: Benign for Optic atrophy 3. Last evaluated: 2018-01-12. Review status: criteria provided, single submitter. Criteria: ICSL Variant Classification Criteria 13 December 2019. Collection method: clinical testing. Allele origin: germline.
Comment: This variant was observed in the ICSL laboratory as part of a predisposition screen in an ostensibly healthy population. It had not been previously curated by ICSL or reported in the Human Gene Mutation Database (HGMD: prior to June 1st, 2018), and was therefore a candidate for classification through an automated scoring system. Utilizing variant allele frequency, disease prevalence and penetrance estimates, and inheritance mode, an automated score was calculated to assess if this variant is too frequent to cause the disease. Based on the score and internal cut-off values, a variant classified as benign is not then subjected to further curation. The score for this variant resulted in a classification of benign for this disease.